The following is an entry in ClinVar:

ClinVar aggregate classification (germline): Uncertain significance. Review status: criteria provided, multiple submitters, no conflicts (2 of 4 stars). 3 submissions from 3 submitters: Uncertain significance (3). Last evaluated 2025-07-23.

Conditions:
Inborn genetic diseases. Identifiers: MedGen C0950123, MeSH D030342.

Allele frequency attached by ClinVar (database versions not stated): gnomAD exomes below 0.00001; TOPMed below 0.00001; gnomAD 0.00001.
gnomAD v4.1: 7 of 1,613,844 alleles (0.00043%); highest among the groups gnomAD compares: Non-Finnish European, 0.00051%; no homozygotes.

Submissions (3):

Labcorp Genetics (formerly Invitae), Labcorp
Classification: Uncertain significance. Last evaluated: 2025-07-23. Review status: criteria provided, single submitter. Criteria: Invitae Variant Classification Sherloc (09022015). Collection method: clinical testing. Allele origin: germline.
Comment: This sequence change replaces isoleucine, which is neutral and non-polar, with threonine, which is neutral and polar, at codon 832 of the CDH2 protein (p.Ile832Thr). This variant is not present in population databases (gnomAD no frequency). This variant has not been reported in the literature in individuals affected with CDH2-related conditions. ClinVar contains an entry for this variant (Variation ID: 3141184). An algorithm developed to predict the effect of missense changes on protein structure and function (PolyPhen-2) suggests that this variant is likely to be disruptive. In summary, the available evidence is currently insufficient to determine the role of this variant in disease. Therefore, it has been classified as a Variant of Uncertain Significance.

Ambry Genetics
Classification: Uncertain significance for Inborn genetic diseases. Last evaluated: 2024-03-04. Review status: criteria provided, single submitter. Criteria: Ambry Variant Classification Scheme 2023. Collection method: clinical testing. Allele origin: germline.

Blueprint Genetics
Classification: Uncertain significance. Last evaluated: 2018-09-03. Review status: criteria provided, single submitter. Criteria: ACMG Guidelines, 2015. Collection method: clinical testing. Allele origin: germline.

NM_001792.5(CDH2):c.2495T>C (p.Ile832Thr)

Genes: CDH2 (cadherin 2; minus strand), CDH2-AS1 (CDH2 antisense RNA 1; plus strand). Cytogenetic location: 18q12.1.
Variant type: single nucleotide variant.
Coding change: c.2495T>C on transcript NM_001792.5 (MANE Select); coding-DNA position 2495, T replaced by C.
Protein change: p.Ile832Thr; replaces isoleucine 832 with threonine.
Molecular consequence: missense variant.
Genome position (GRCh38, 1-based): chr18:27,963,376, A>G on the plus strand (T>C on the coding strand, the complement: CDH2 is on the minus strand). VCF-style: chr18-27963376-A-G. GRCh37 (hg19) VCF-style: chr18-25543340-A-G.
Other names: c.2402T>C, p.Ile801Thr (NM_001308176.2); short protein forms I801T, I832T.
Identifiers: ClinVar variation 3141184 (VCV003141184.3), dbSNP rs2011458646, ClinGen allele CA402103829.